The following is an entry in ClinVar:

NM_001267550.2(TTN):c.67840C>T (p.Gln22614Ter)

Genes: TTN (titin; minus strand), TTN-AS1 (TTN antisense RNA 1; plus strand), LOC126806423 (CDK7 strongly-dependent group 2 enhancer GRCh37_chr2:179443309-179444508; plus strand). Cytogenetic location: 2q31.2.
Variant type: single nucleotide variant.
Coding change: c.67840C>T on transcript NM_001267550.2 (MANE Select); coding-DNA position 67840, C replaced by T.
Protein change: p.Gln22614Ter; replaces glutamine 22614 with a stop codon.
Molecular consequence: nonsense.
Genome position (GRCh38, 1-based): chr2:178,579,190, G>A on the plus strand (C>T on the coding strand, the complement: TTN is on the minus strand). VCF-style: chr2-178579190-G-A. GRCh37 (hg19) VCF-style: chr2-179443917-G-A.
Other names: c.62917C>T, p.Gln20973Ter (NM_001256850.1); c.40645C>T, p.Gln13549Ter (NM_003319.4); c.60136C>T, p.Gln20046Ter (NM_133378.4); c.41020C>T, p.Gln13674Ter (NM_133432.3); c.41221C>T, p.Gln13741Ter (NM_133437.4); short protein forms Q13741*, Q13549*, Q13674*, Q22614*, Q20046*, Q20973*.
Identifiers: ClinVar variation 1519274 (VCV001519274.6), dbSNP rs2154175288, ClinGen allele CA349422828.

ClinVar aggregate classification (germline): Likely pathogenic (1 of 4 stars; one submission).

Conditions:
Dilated cardiomyopathy 1G (CMD1G). Identifiers: Orphanet 154, MedGen C1858763, MONDO:0011400, OMIM 604145.
Autosomal recessive limb-girdle muscular dystrophy type 2J (LGMDR10). Also called: Limb-girdle muscular dystrophy, type 2J; MUSCULAR DYSTROPHY, LIMB-GIRDLE, AUTOSOMAL RECESSIVE 10. Identifiers: Orphanet 140922, MedGen C1837342, MONDO:0012127, OMIM 608807.

Submission:

Labcorp Genetics (formerly Invitae), Labcorp
Classification: Likely pathogenic for Dilated cardiomyopathy 1G; Autosomal recessive limb-girdle muscular dystrophy type 2J. Last evaluated: 2021-11-05. Review status: criteria provided, single submitter. Criteria: Invitae Variant Classification Sherloc (09022015). Collection method: clinical testing. Allele origin: germline.
Comment: This variant has not been reported in the literature in individuals affected with TTN-related conditions. This variant is not present in population databases (gnomAD no frequency). This sequence change creates a premature translational stop signal (p.Gln22614*) in the TTN gene. While this is not anticipated to result in nonsense mediated decay, it is expected to create a truncated TTN protein. This variant is located in the A band of TTN (PMID: 25589632). Truncating variants in this region are significantly overrepresented in patients affected with dilated cardiomyopathy (PMID: 25589632). Truncating variants in this region have also been reported in individuals affected with autosomal recessive centronuclear myopathy (PMID: 23975875). In summary, the currently available evidence indicates that the variant is pathogenic, but additional data are needed to prove that conclusively. Therefore, this variant has been classified as Likely Pathogenic.

Literature cited by the submitters: PubMed 25589632; PubMed 23975875.